The following is an entry in ClinVar:

ClinVar aggregate classification (germline): Likely benign. Review status: criteria provided, multiple submitters, no conflicts (2 of 4 stars). 3 submissions from 2 submitters: Likely benign (3). Last evaluated 2025-03-24.

Conditions:
Cardiovascular phenotype. Identifiers: MedGen CN230736.
Hereditary cancer-predisposing syndrome. Also called: Tumor predisposition; Hereditary Cancer Syndrome; Hereditary neoplastic syndrome; Neoplastic Syndromes, Hereditary. Identifiers: Orphanet 140162, MedGen C0027672, MeSH D009386, MONDO:0015356.
Neurofibromatosis, type 1 (NF1). Also called: VON RECKLINGHAUSEN DISEASE; NEUROFIBROMATOSIS, TYPE I, SOMATIC; Peripheral type neurofibromatosis; Neurofibromatosis, type I. Identifiers: Orphanet 636, MedGen C0027831, MONDO:0018975, OMIM 162200. Disease mechanism: loss of function.

Submissions (3):

Labcorp Genetics (formerly Invitae), Labcorp
Classification: Likely benign for Neurofibromatosis, type 1. Last evaluated: 2025-03-24. Review status: criteria provided, single submitter. Criteria: Invitae Variant Classification Sherloc (09022015). Collection method: clinical testing. Allele origin: germline.

Ambry Genetics
Classification: Likely benign for Cardiovascular phenotype; Hereditary cancer-predisposing syndrome. Last evaluated: 2020-04-13. Review status: criteria provided, single submitter. Criteria: Ambry Variant Classification Scheme 2023. Collection method: clinical testing. Allele origin: germline.

Ambry Genetics
Classification: Likely benign for Hereditary cancer-predisposing syndrome. Last evaluated: 2014-09-03. Review status: criteria provided, single submitter. Criteria: Ambry Autosomal Dominant and X-Linked criteria (10/2015). Collection method: clinical testing. Allele origin: germline. Observed: 1 variant allele.
Comment: Insufficient or conflicting evidence

NM_001042492.3(NF1):c.1642-4T>C

Gene: NF1 (neurofibromin 1; plus strand). Cytogenetic location: 17q11.2.
Variant type: single nucleotide variant.
Coding change: c.1642-4T>C on transcript NM_001042492.3 (MANE Select); 4 bases into the intron before coding-DNA position 1642, T replaced by C.
Molecular consequence: intron variant.
Genome position (GRCh38, 1-based): chr17:31,221,846, T>C. VCF-style: chr17-31221846-T-C. GRCh37 (hg19) VCF-style: chr17-29548864-T-C.
Other names: c.1642-4T>C (NM_000267.4, NM_001128147.3).
Identifiers: ClinVar variation 185470 (VCV000185470.10), dbSNP rs786202197, ClinGen allele CA192044.